The following is an entry in ClinVar:

ClinVar aggregate classification (germline): Pathogenic (1 of 4 stars; one submission).

Conditions:
Xeroderma pigmentosum, group C (XPC). Also called: XERODERMA PIGMENTOSUM III; XP, GROUP C; Xeroderma pigmentosum, complementation group C; XPC-Related Xeroderma Pigmentosum. Identifiers: Orphanet 910, MedGen C2752147, MONDO:0010211, OMIM 278720.

Submission:

Myriad Genetics, Inc.
Classification: Pathogenic for Xeroderma pigmentosum, group C. Last evaluated: 2025-12-02. Review status: criteria provided, single submitter. Criteria: Myriad Autosomal Dominant, Autosomal Recessive and X-Linked Classification Criteria (2023). Collection method: clinical testing. Allele origin: unknown.
Comment: NM_004628.4(XPC):c.1111_1112insT(T371Ifs*4) is a frameshift variant classified as pathogenic in the context of xeroderma pigmentosum group C. T371Ifs*4 has not been observed in cases with relevant disease. Relevant functional assessments of this variant are not available in the literature. T371Ifs*4 has not been observed in referenced population frequency databases. In summary, NM_004628.4(XPC):c.1111_1112insT(T371Ifs*4) is a frameshift variant in a gene where loss of function is a known mechanism of disease and is predicted to disrupt protein function. Please note: this variant was assessed in the context of healthy population screening.

NM_004628.5(XPC):c.1111_1112insT (p.Thr371fs)

Gene: XPC (XPC complex subunit, DNA damage recognition and repair factor; minus strand). Cytogenetic location: 3p25.1.
Variant type: Insertion.
Coding change: c.1111_1112insT on transcript NM_004628.5 (MANE Select); coding-DNA positions 1111 to 1112, T inserted.
Protein change: p.Thr371fs; shifts the reading frame from threonine 371.
Molecular consequence: frameshift variant. On other transcripts: non-coding transcript variant (2).
Genome position: GRCh38 VCF-style: chr3-14158771-G-GA. GRCh37 (hg19) VCF-style: chr3-14200271-G-GA.
Other names: c.532_533insT, p.Thr178fs (NM_001354726.2); c.1111_1112insT, p.Thr371fs (NM_001354727.2, NM_001354730.2); c.1093_1094insT, p.Thr365fs (NM_001354729.2); short protein forms T365fs, T178fs, T371fs.
Identifiers: ClinVar variation 5004307 (VCV005004307.1).